The following is an entry in ClinVar:

ClinVar aggregate classification (germline): Uncertain significance (1 of 4 stars; one submission).

Allele frequency attached by ClinVar (database versions not stated): ExAC 0.00002.
gnomAD v4.1: 144 of 1,580,222 alleles (0.0091%); highest among the groups gnomAD compares: Non-Finnish European, 0.012%; no homozygotes.

Submission:

Labcorp Genetics (formerly Invitae), Labcorp
Classification: Uncertain significance. Last evaluated: 2021-12-22. Review status: criteria provided, single submitter. Criteria: Invitae Variant Classification Sherloc (09022015). Collection method: clinical testing. Allele origin: germline.
Comment: This variant has not been reported in the literature in individuals affected with POLR1A-related conditions. Algorithms developed to predict the effect of missense changes on protein structure and function are either unavailable or do not agree on the potential impact of this missense change (SIFT: "Not Available"; PolyPhen-2: "Possibly Damaging"; Align-GVGD: "Not Available"). In summary, the available evidence is currently insufficient to determine the role of this variant in disease. Therefore, it has been classified as a Variant of Uncertain Significance. This variant is present in population databases (rs752860605, gnomAD 0.003%). This sequence change replaces arginine, which is basic and polar, with glycine, which is neutral and non-polar, at codon 372 of the POLR1A protein (p.Arg372Gly).

NM_015425.6(POLR1A):c.1114C>G (p.Arg372Gly)

Gene: POLR1A (RNA polymerase I subunit A; minus strand). Cytogenetic location: 2p11.2.
Variant type: single nucleotide variant.
Coding change: c.1114C>G on transcript NM_015425.6 (MANE Select); coding-DNA position 1114, C replaced by G.
Protein change: p.Arg372Gly; replaces arginine 372 with glycine.
Molecular consequence: missense variant.
Genome position (GRCh38, 1-based): chr2:86,078,257, G>C on the plus strand (C>G on the coding strand, the complement: POLR1A is on the minus strand). VCF-style: chr2-86078257-G-C. GRCh37 (hg19) VCF-style: chr2-86305380-G-C.
Other names: short protein forms R372G.
Identifiers: ClinVar variation 1905763 (VCV001905763.5), dbSNP rs752860605, ClinGen allele CA1746433.